The following is an entry in ClinVar:

ClinVar aggregate classification (germline): Uncertain significance. Review status: criteria provided, multiple submitters, no conflicts (2 of 4 stars). 2 submissions from 2 submitters: Uncertain significance (2). Last evaluated 2024-01-10.

Conditions:
Tumor predisposition syndrome 3 (TPDS3). Also called: Melanoma, cutaneous malignant, susceptibility to, 10; LONG TELOMERE SYNDROME, POT1-RELATED; POT1 Tumor Predisposition; Glioma susceptibility 9. Identifiers: Orphanet 618, MedGen C4014476, MONDO:0014368, OMIM 615848.
Hereditary cancer-predisposing syndrome. Also called: Tumor predisposition; Neoplastic Syndromes, Hereditary; Hereditary Cancer Syndrome; Hereditary neoplastic syndrome. Identifiers: Orphanet 140162, MedGen C0027672, MeSH D009386, MONDO:0015356.

Allele frequency attached by ClinVar (database versions not stated): gnomAD exomes below 0.00001.

Submissions (2):

Ambry Genetics
Classification: Uncertain significance for Hereditary cancer-predisposing syndrome. Last evaluated: 2024-01-10. Review status: criteria provided, single submitter. Criteria: Ambry Variant Classification Scheme 2023. Collection method: clinical testing. Allele origin: germline.
Comment: The p.V629L variant (also known as c.1885G>C), located in coding exon 15 of the POT1 gene, results from a G to C substitution at nucleotide position 1885. The valine at codon 629 is replaced by leucine, an amino acid with highly similar properties. This alteration was identified in 1 of 2928 melanoma cases and 0 of 3298 controls (Simonin-Wilmer I et al. J Med Genet, 2023 Jul;60:692-696). This amino acid position is not well conserved in available vertebrate species. In addition, this alteration is predicted to be tolerated by in silico analysis. Since supporting evidence is limited at this time, the clinical significance of this alteration remains unclear.

Labcorp Genetics (formerly Invitae), Labcorp
Classification: Uncertain significance for Tumor predisposition syndrome 3. Last evaluated: 2021-02-15. Review status: criteria provided, single submitter. Criteria: Invitae Variant Classification Sherloc (09022015). Collection method: clinical testing. Allele origin: germline.
Comment: Algorithms developed to predict the effect of missense changes on protein structure and function (SIFT, PolyPhen-2, Align-GVGD) all suggest that this variant is likely to be tolerated, but these predictions have not been confirmed by published functional studies. This variant is not present in population databases (ExAC no frequency) and has not been reported in the literature in individuals with a POT1-related disease. This sequence change replaces valine with leucine at codon 629 of the POT1 protein (p.Val629Leu). The valine residue is moderately conserved and there is a small physicochemical difference between valine and leucine. In summary, this variant is a novel missense change that is not predicted to affect protein function. There is no indication that it causes disease, but the available evidence is currently insufficient to prove that conclusively. Therefore, it has been classified as a Variant of Uncertain Significance.

Literature cited by the submitters: PubMed 36539277 (cited by Ambry Genetics).

NM_015450.3(POT1):c.1885G>C (p.Val629Leu)

Gene: POT1 (protection of telomeres 1; minus strand). Cytogenetic location: 7q31.33.
Variant type: single nucleotide variant.
Coding change: c.1885G>C on transcript NM_015450.3 (MANE Select); coding-DNA position 1885, G replaced by C.
Protein change: p.Val629Leu; replaces valine 629 with leucine.
Molecular consequence: missense variant. On other transcripts: non-coding transcript variant (3).
Genome position (GRCh38, 1-based): chr7:124,823,982, C>G on the plus strand (G>C on the coding strand, the complement: POT1 is on the minus strand). VCF-style: chr7-124823982-C-G. GRCh37 (hg19) VCF-style: chr7-124464036-C-G.
Other names: c.1492G>C, p.Val498Leu (NM_001042594.2); c.1885G>C (NM_015450.2); short protein forms V498L, V629L.
Identifiers: ClinVar variation 1463878 (VCV001463878.9), dbSNP rs747028178, ClinGen allele CA369061088.
Genomic context (GRCh38, chr7:124,823,982, plus strand): 5'-GAGTGGCAACATTTTATGTATGCTAAATTGGATGGCAATATTAGATTACATCTTCTGCAA[C>G]TGTGGTGTCAAAAATCTGATAGCAAATTTGATTATCTGTTCCATTTGTGACATTGTATGA-3'
Protein context (NP_056265.2, residues 619-634): QICYQIFDTT[Val629Leu]AEDVI